The following is an entry in ClinVar:

NM_000548.5(TSC2):c.5246G>A (p.Arg1749Gln)

Gene: TSC2 (TSC complex subunit 2; plus strand). Cytogenetic location: 16p13.3.
Variant type: single nucleotide variant.
Coding change: c.5246G>A on transcript NM_000548.5 (MANE Select); coding-DNA position 5246, G replaced by A.
Protein change: p.Arg1749Gln; replaces arginine 1749 with glutamine.
Molecular consequence: missense variant.
Genome position (GRCh38, 1-based): chr16:2,088,312, G>A. VCF-style: chr16-2088312-G-A. GRCh37 (hg19) VCF-style: chr16-2138313-G-A.
Other names: c.5045G>A, p.Arg1682Gln (NM_001077183.3); c.5177G>A, p.Arg1726Gln (NM_001114382.3); c.4937G>A, p.Arg1646Gln (NM_001318827.2); c.4901G>A, p.Arg1634Gln (NM_001318829.2); c.4514G>A, p.Arg1505Gln (NM_001318831.2); c.5078G>A, p.Arg1693Gln (NM_001318832.2); c.5048G>A, p.Arg1683Gln (NM_001363528.2); c.5114G>A, p.Arg1705Gln (NM_001370404.1); and 3 more; short protein forms R1749Q, R1683Q, R1705Q, R1505Q, R1646Q, R1682Q, R1693Q, R1706Q.
Identifiers: ClinVar variation 535984 (VCV000535984.15), dbSNP rs1555440785, ClinGen allele CA394314713.
Genomic context (GRCh38, chr16:2,088,312, plus strand): 5'-GCTCCAACCCCACCGATATCTACCCCTCCAAGTGGATTGCCCGGCTCCGCCACATCAAGC[G>A]GCTCCGCCAGCGGGTAGGGAATATGGGGCTCCCTCAGCGGGGTGTGCTGGCTGCCCAAGC-3'
Protein context (NP_000539.2, residues 1739-1759): KWIARLRHIK[Arg1749Gln]LRQRICEEAA

ClinVar aggregate classification (germline): Conflicting classifications of pathogenicity. Review status: criteria provided, conflicting classifications (1 of 4 stars). 6 submissions from 6 submitters: Uncertain significance (5); Benign (1). Last evaluated 2026-09-23.

Conditions:
Hereditary cancer-predisposing syndrome. Also called: Tumor predisposition; Hereditary neoplastic syndrome; Neoplastic Syndromes, Hereditary; Hereditary Cancer Syndrome. Identifiers: Orphanet 140162, MedGen C0027672, MeSH D009386, MONDO:0015356.
Isolated focal cortical dysplasia type II (FCORD2). Also called: Focal cortical dysplasia type II; CORTICAL DYSPLASIA OF TAYLOR. Identifiers: Orphanet 268994, MedGen C1846385, MONDO:0011818, OMIM 607341, HP:0032051.
Tuberous sclerosis 2 (TSC2). Identifiers: Orphanet 805, MedGen C1860707, MONDO:0013199, OMIM 613254.
Lymphangiomyomatosis (LAM). Also called: Lymphangioleiomyomatosis; Lymphangioleiomyomatosis, somatic. Identifiers: Orphanet 538, MedGen C0751674, MONDO:0011705, OMIM 606690.
TSC2-related disorder. Also called: TSC2-related condition; TSC2-Related Disorders.
Tuberous sclerosis syndrome (TSC). Also called: Tuberous Sclerosis Complex; Tuberous sclerosis. Identifiers: Orphanet 805, MedGen C0041341, MONDO:0001734.

Allele frequency attached by ClinVar (database versions not stated): gnomAD exomes below 0.00001.
gnomAD v4.1: 6 of 1,612,720 alleles (0.00037%); highest among the groups gnomAD compares: Non-Finnish European, 0.00051%; no homozygotes.

Submissions (6):

PreventionGenetics, part of Exact Sciences
Classification: Uncertain significance for TSC2-related condition. Last evaluated: 2026-09-23. Review status: criteria provided, single submitter. Criteria: ACMG Guidelines, 2015. Collection method: clinical testing. Allele origin: germline.
Comment: The TSC2 c.5246G>A variant is predicted to result in the amino acid substitution p.Arg1749Gln. This variant has been reported in an individual with tuberous sclerosis complex (Table S1, Meng et al. 2021. PubMed ID: 32917966). This variant has not been reported in a large population database (gnomAD), indicating this variant is rare. It has conflicting interpretations in ClinVar, ranging from uncertain significance to benign (Variation ID: 535984). At this time, the clinical significance of this variant is uncertain due to the absence of conclusive functional and genetic evidence.

Labcorp Genetics (formerly Invitae), Labcorp
Classification: Benign for Tuberous sclerosis 2. Last evaluated: 2025-11-04. Review status: criteria provided, single submitter. Criteria: Invitae Variant Classification Sherloc (09022015). Collection method: clinical testing. Allele origin: germline.

Ambry Genetics
Classification: Uncertain significance for Hereditary cancer-predisposing syndrome. Last evaluated: 2025-08-23. Review status: criteria provided, single submitter. Criteria: Ambry Variant Classification Scheme 2023. Collection method: clinical testing. Allele origin: germline.
Comment: The p.R1749Q variant (also known as c.5246G>A), located in coding exon 40 of the TSC2 gene, results from a G to A substitution at nucleotide position 5246. The arginine at codon 1749 is replaced by glutamine, an amino acid with highly similar properties. This amino acid position is highly conserved in available vertebrate species. In addition, this alteration is predicted to be deleterious by in silico analysis. Since supporting evidence is limited at this time, the clinical significance of this alteration remains unclear.

Fulgent Genetics
Classification: Uncertain significance for Lymphangiomyomatosis; Isolated focal cortical dysplasia type II; Tuberous sclerosis 2. Last evaluated: 2024-02-26. Review status: criteria provided, single submitter. Criteria: ACMG Guidelines, 2015. Collection method: clinical testing. Allele origin: germline.

Blueprint Genetics
Classification: Uncertain significance. Last evaluated: 2023-07-18. Review status: criteria provided, single submitter. Criteria: ACMG Guidelines, 2015. Collection method: clinical testing. Allele origin: germline.

All of Us Research Program, National Institutes of Health
Classification: Uncertain significance for Tuberous sclerosis syndrome. Last evaluated: 2023-05-31. Review status: criteria provided, single submitter. Criteria: ACMG Guidelines, 2015. Collection method: clinical testing. Allele origin: germline. Inheritance: Autosomal dominant inheritance. Observed: 1 variant allele, 1 heterozygote.
Comment: This study involves interpretation of variants in research participants for the purpose of population health screening. Participant phenotype was not available at the time of variant classification. Additional details can be found in publication PMID: 35346344, PMCID: PMC8962531